The following is an entry in ClinVar:

NM_153252.5(BRWD3):c.4502A>T (p.Asp1501Val)

Gene: BRWD3 (bromodomain and WD repeat domain containing 3; minus strand). Cytogenetic location: Xq21.1.
Variant type: single nucleotide variant.
Coding change: c.4502A>T on transcript NM_153252.5 (MANE Select); coding-DNA position 4502, A replaced by T.
Protein change: p.Asp1501Val; replaces aspartic acid 1501 with valine.
Molecular consequence: missense variant.
Genome position (GRCh38, 1-based): chrX:80,681,493, T>A on the plus strand (A>T on the coding strand, the complement: BRWD3 is on the minus strand). VCF-style: chrX-80681493-T-A. GRCh37 (hg19) VCF-style: chrX-79936992-T-A.
Other names: short protein forms D1501V.
Identifiers: ClinVar variation 2413098 (VCV002413098.3), dbSNP rs2072446342, ClinGen allele CA413608770.
Genomic context (GRCh38, chrX:80,681,493, plus strand): 5'-GAAGAAAATGGCCCATCTGGCTCATCATCAAGTAGATATAGTGAAAGCCCTTCAGCAGCA[T>A]CTGAAACTTACATTTTAAAAGATTTTAATACTAACATAATTATCATGTTTTCAGGAAAGT-3'
Protein context (NP_694984.5, residues 1491-1511): TSSPFSSPVS[Asp1501Val]AAEGLSLYLL

ClinVar aggregate classification (germline): Uncertain significance (1 of 4 stars; one submission).

Allele frequency attached by ClinVar (database versions not stated): TOPMed below 0.00001.

Submission:

GeneDx
Classification: Uncertain significance. Last evaluated: 2022-07-27. Review status: criteria provided, single submitter. Criteria: GeneDx Variant Classification Process June 2021. Collection method: clinical testing. Allele origin: germline. Affected: yes.
Comment: Not observed at significant frequency in large population cohorts (gnomAD); In silico analysis supports that this missense variant does not alter protein structure/function; Has not been previously published as pathogenic or benign to our knowledge